The following is an entry in ClinVar:

NM_080680.3(COL11A2):c.1795C>T (p.Pro599Ser)

Gene: COL11A2 (collagen type XI alpha 2 chain; minus strand). Cytogenetic location: 6p21.32.
Variant type: single nucleotide variant.
Coding change: c.1795C>T on transcript NM_080680.3 (MANE Select); coding-DNA position 1795, C replaced by T.
Protein change: p.Pro599Ser; replaces proline 599 with serine.
Molecular consequence: missense variant.
Genome position (GRCh38, 1-based): chr6:33,178,331, G>A on the plus strand (C>T on the coding strand, the complement: COL11A2 is on the minus strand). VCF-style: chr6-33178331-G-A. GRCh37 (hg19) VCF-style: chr6-33146108-G-A.
Other names: c.1474C>T, p.Pro492Ser (NM_080679.3); c.1537C>T, p.Pro513Ser (NM_080681.3); short protein forms P492S, P513S, P599S.
Identifiers: ClinVar variation 2318165 (VCV002318165.3), dbSNP rs2535196052, ClinGen allele CA363657302.

ClinVar aggregate classification (germline): Uncertain significance. Review status: criteria provided, multiple submitters, no conflicts (2 of 4 stars). 2 submissions from 2 submitters: Uncertain significance (2). Last evaluated 2025-07-16.

Conditions:
Inborn genetic diseases. Identifiers: MedGen C0950123, MeSH D030342.

Allele frequency attached by ClinVar (database versions not stated): gnomAD exomes below 0.00001.
gnomAD v4.1: 1 of 1,612,632 alleles (0.000062%); highest among the groups gnomAD compares: Non-Finnish European, 0.000085%; no homozygotes.

Submissions (2):

GeneDx
Classification: Uncertain significance. Last evaluated: 2025-07-16. Review status: criteria provided, single submitter. Criteria: GeneDx Variant Classification Process June 2021. Collection method: clinical testing. Allele origin: germline. Affected: yes.
Comment: Not observed at significant frequency in large population cohorts (gnomAD); In silico analysis supports that this missense variant has a deleterious effect on protein structure/function; Has not been previously published as pathogenic or benign to our knowledge

Ambry Genetics
Classification: Uncertain significance for Inborn genetic diseases. Last evaluated: 2022-10-12. Review status: criteria provided, single submitter. Criteria: Ambry Variant Classification Scheme 2023. Collection method: clinical testing. Allele origin: germline.